The following is an entry in ClinVar:

ClinVar aggregate classification (germline): Likely benign. Review status: criteria provided, multiple submitters, no conflicts (2 of 4 stars). 3 submissions from 3 submitters: Likely benign (2). 1 of the submissions does not count toward it. Last evaluated 2018-01-30.

Conditions:
UBR4-related disorder. Also called: UBR4-related condition.

Allele frequency attached by ClinVar (database versions not stated): gnomAD exomes 0.00027 and 0.00064; ExAC 0.00065; gnomAD 0.00225 and 0.00240; ESP Exome Variant Server 0.00231; 1000 Genomes Project 0.00240; 1000 Genomes Project 30x 0.00250; TOPMed 0.00269.
gnomAD v4.1: 764 of 1,613,706 alleles (0.047%); highest among the groups gnomAD compares: African/African-American, 0.8%; 4 homozygotes.

Submissions (3):

Labcorp Genetics (formerly Invitae), Labcorp
Classification: Likely benign. Last evaluated: 2018-01-30. Review status: criteria provided, single submitter. Criteria: Invitae Variant Classification Sherloc (09022015). Collection method: clinical testing. Allele origin: germline.

Breakthrough Genomics
Classification: Likely benign. Review status: criteria provided, single submitter. Criteria: ACMG Guidelines, 2015. Collection method: not provided. Allele origin: germline. Inheritance: Unknown mechanism. Affected: yes.

PreventionGenetics, part of Exact Sciences
Classification: Benign for UBR4-related condition. Last evaluated: 2019-06-03. Review status: no assertion criteria provided. Collection method: clinical testing. Allele origin: germline. Not counted in ClinVar's aggregate classification.
Comment: This variant is classified as benign based on ACMG/AMP sequence variant interpretation guidelines (Richards et al. 2015 PMID: 25741868, with internal and published modifications).

NM_020765.3(UBR4):c.3815C>T (p.Thr1272Ile)

Gene: UBR4 (ubiquitin protein ligase E3 component n-recognin 4; minus strand). Cytogenetic location: 1p36.13.
Variant type: single nucleotide variant.
Coding change: c.3815C>T on transcript NM_020765.3 (MANE Select); coding-DNA position 3815, C replaced by T.
Protein change: p.Thr1272Ile; replaces threonine 1272 with isoleucine.
Molecular consequence: missense variant.
Genome position (GRCh38, 1-based): chr1:19,168,111, G>A on the plus strand (C>T on the coding strand, the complement: UBR4 is on the minus strand). VCF-style: chr1-19168111-G-A. GRCh37 (hg19) VCF-style: chr1-19494605-G-A.
Other names: short protein forms T1272I.
Identifiers: ClinVar variation 716041 (VCV000716041.6), dbSNP rs140190640, ClinGen allele CA651016.
Genomic context (GRCh38, chr1:19,168,111, plus strand): 5'-ACCAGTGAGAGGAGGGTATGCTTCAGGGAAGCAGCCAGGGGCAGACTTTGGCTACAGAGA[G>A]TCCCCAGGTGTGCAGCCTGCACTGCACTAATATAACTCTCTGAAGGGATGGTGTCATTGG-3'
Protein context (NP_065816.2, residues 1262-1282): ISAVQAAHLG[Thr1272Ile]LCSQSLPLAA